The following is an entry in ClinVar:

NM_000264.5(PTCH1):c.324_325del (p.Phe109fs)

Gene: PTCH1 (patched 1; minus strand). Cytogenetic location: 9q22.32.
Variant type: Microsatellite.
Coding change: c.324_325del on transcript NM_000264.5 (MANE Select); coding-DNA positions 324 to 325, 2 bases deleted (AT; older notation c.324_325delAT).
Protein change: p.Phe109fs; shifts the reading frame from phenylalanine 109.
Molecular consequence: frameshift variant. On other transcripts: 5 prime UTR variant (4), non-coding transcript variant (1).
Genome position (GRCh38, 1-based): chr9:95,506,476-95,506,477, AT deleted on the plus strand (AT on the coding strand, the reverse complement: PTCH1 is on the minus strand); deleting any 2 consecutive bases within chr9:95,506,476-95,506,479 gives the same sequence; the c. name uses the placement nearest the transcript's 3' end. VCF-style (leftmost placement, unchanged base first): chr9-95506475-AAT-A. GRCh37 (hg19) VCF-style: chr9-98268757-AAT-A.
Other names: c.126_127del, p.Phe43fs (NM_001083602.3, NM_001354919.2); c.321_322del, p.Phe108fs (NM_001083603.3); c.-132AT[1] (NM_001083604.3, NM_001083605.3, NM_001083606.3 and 1 more transcripts); c.324_325del, p.Phe109fs (NM_001354918.2); short protein forms F108fs, F109fs, F43fs.
Identifiers: ClinVar variation 1076428 (VCV001076428.9), dbSNP rs2118876450, ClinGen allele CA2580616235.

ClinVar aggregate classification (germline): Pathogenic (1 of 4 stars; one submission).

Conditions:
Gorlin syndrome. Also called: Basal cell nevus syndrome; Nevoid Basal Cell Carcinoma Syndrome. Identifiers: Orphanet 377, MedGen C0004779, MONDO:0007187.

Submission:

Labcorp Genetics (formerly Invitae), Labcorp
Classification: Pathogenic for Gorlin syndrome. Last evaluated: 2020-09-08. Review status: criteria provided, single submitter. Criteria: Invitae Variant Classification Sherloc (09022015). Collection method: clinical testing. Allele origin: germline.
Comment: For these reasons, this variant has been classified as Pathogenic. Loss-of-function variants in PTCH1 are known to be pathogenic (PMID: 16301862, 16419085). This variant has been observed in individual(s) with clinical features of basal cell nevus syndrome (Invitae). This variant is not present in population databases (ExAC no frequency). This sequence change creates a premature translational stop signal (p.Phe109Trpfs*30) in the PTCH1 gene. It is expected to result in an absent or disrupted protein product.

Literature cited by the submitters: PubMed 16301862; PubMed 16419085.